The following is an entry in ClinVar:

NM_002113.3(CFHR1):c.991_*1del (p.Ter331IleextTer?)

Gene: CFHR1 (complement factor H related 1; plus strand). Cytogenetic location: 1q31.3.
Variant type: Deletion.
Coding change: c.991_*1del on transcript NM_002113.3 (MANE Select); coding-DNA position 991 through 1 bases downstream of the stop codon, 4 bases deleted (TAGA; older notation c.991_*1delTAGA).
Protein change: p.Ter331IleextTer?.
Molecular consequence: frameshift variant, stop lost.
Genome position (GRCh38, 1-based): chr1:196,831,997-196,832,000, TAGA deleted; deleting any 4 consecutive bases within chr1:196,831,994-196,832,000 gives the same sequence; the c. name uses the placement nearest the transcript's 3' end. VCF-style (leftmost placement, unchanged base first): chr1-196831993-AAGAT-A. GRCh37 (hg19) VCF-style: chr1-196801123-AAGAT-A.
Other names: c.991_*1delTAGA (NM_002113.3); c.940_*1del, p.Ter314IleextTer? (NM_001379306.1); c.829_*1del, p.Ter277IleextTer? (NM_001379307.1); c.826_*1del, p.Ter276IleextTer? (NM_001379308.1); c.823_*1del, p.Ter275IleextTer? (NM_001379309.1); c.796_*1del, p.Ter266IleextTer? (NM_001379310.1); c.787_*1del, p.Ter263IleextTer? (NM_001379311.1); c.748_*1del, p.Ter250IleextTer? (NM_001379312.1).
Identifiers: ClinVar variation 3025933 (VCV003025933.23), dbSNP rs747899966, ClinGen allele CA1306649.
Genomic context (GRCh38, chr1:196,831,993, plus strand): 5'-TTCTCACACATTGCGAACAACATGTTGGGATGGGAAACTGGAGTATCCAACTTGTGCAAA[AAGAT>A]AGAATCAATCATAAAATGCACACCTTTATTCAGAACTTTAGTATTAAATCAGTTCTTAAT-3'

ClinVar aggregate classification (germline): Likely benign. Review status: criteria provided, multiple submitters, no conflicts (2 of 4 stars). 2 submissions from 2 submitters: Likely benign (2). Last evaluated 2026-04-29.

Submissions (2):

Women's Health and Genetics/Laboratory Corporation of America, LabCorp
Classification: Likely benign. Last evaluated: 2026-04-29. Review status: criteria provided, single submitter. Criteria: LabCorp Variant Classification Summary - May 2015. Collection method: clinical testing. Allele origin: germline.
Comment: Variant summary: CFHR1 c.991_*1delTAGA (p.X331IlefsX40) causes a frameshift which results in an extension of the protein. The variant allele was found at a frequency of 8.9e-05 in 236862 control chromosomes in the gnomAD database, including 5 homozygotes, suggesting that it is a benign polymorphism. c.991_*1delTAGA has been observed in an individual affected with Hemolytic uremic syndrome, atypical, susceptibility to, 1 (van der Ven_2018). This report does not provide unequivocal conclusions about association of the variant with Hemolytic uremic syndrome, atypical, susceptibility to, 1. To our knowledge, no experimental evidence demonstrating an impact on protein function has been reported. The following publication has been ascertained in the context of this evaluation (PMID: 30143558). ClinVar contains an entry for this variant (Variation ID: 3025933). Based on the evidence outlined above, the variant was classified as likely benign.

CeGaT Center for Human Genetics Tuebingen
Classification: Likely benign. Last evaluated: 2024-02-01. Review status: criteria provided, single submitter. Criteria: CeGaT Center For Human Genetics Tuebingen Variant Classification Criteria Version 2. Collection method: clinical testing. Allele origin: germline. Affected: yes. Observed: 1 variant allele.
Comment: CFHR1: PM4, BS2

Literature cited by the submitters: PubMed 30143558 (cited by Women's Health and Genetics/Laboratory Corporation of America, LabCorp).